The following is an entry in ClinVar:

NM_022726.4(ELOVL4):c.*1669T>G

Gene: ELOVL4 (ELOVL fatty acid elongase 4; minus strand). Cytogenetic location: 6q14.1.
Variant type: single nucleotide variant.
Coding change: c.*1669T>G on transcript NM_022726.4 (MANE Select); 1669 bases downstream of the stop codon, T replaced by G.
Molecular consequence: 3 prime UTR variant.
Genome position (GRCh38, 1-based): chr6:79,914,939, A>C on the plus strand (T>G on the coding strand, the complement: ELOVL4 is on the minus strand). VCF-style: chr6-79914939-A-C. GRCh37 (hg19) VCF-style: chr6-80624656-A-C.
Identifiers: ClinVar variation 358121 (VCV000358121.5), dbSNP rs2991, ClinGen allele CA10624766.
Genomic context (GRCh38, chr6:79,914,939, plus strand): 5'-GGAACCAGTACAGAATGTTCACAAAGATTTACAAATCTCAGTCATTACACACTGAGCAAC[A>C]AAACAAAGGTGTTGAATCCTCTTAGATCAAACTACTTTATATGTTGCAAATTTTCTGTAA-3'

ClinVar aggregate classification (germline): Benign (1 of 4 stars; one submission).

Conditions:
Stargardt disease 3. Also called: MACULAR DYSTROPHY WITH FLECKS, TYPE 3; STARGARDT-LIKE MACULAR DYSTROPHY, AUTOSOMAL DOMINANT. Identifiers: Orphanet 827, MedGen C1838644, MONDO:0010819, OMIM 600110.

Allele frequency attached by ClinVar (database versions not stated): gnomAD exomes 0.11682; gnomAD 0.14296 and 0.15003; TOPMed 0.15095; 1000 Genomes Project 30x 0.22595; 1000 Genomes Project 0.22943.
gnomAD v4.1: 22,857 of 152,552 alleles (15%); highest among the groups gnomAD compares: South Asian, 36%; 1,935 homozygotes.

Submission:

Illumina Laboratory Services, Illumina
Classification: Benign for Stargardt disease 3. Last evaluated: 2018-01-12. Review status: criteria provided, single submitter. Criteria: ICSL Variant Classification Criteria 13 December 2019. Collection method: clinical testing. Allele origin: germline.
Comment: This variant was observed in the ICSL laboratory as part of a predisposition screen in an ostensibly healthy population. It had not been previously curated by ICSL or reported in the Human Gene Mutation Database (HGMD: prior to June 1st, 2018), and was therefore a candidate for classification through an automated scoring system. Utilizing variant allele frequency, disease prevalence and penetrance estimates, and inheritance mode, an automated score was calculated to assess if this variant is too frequent to cause the disease. Based on the score and internal cut-off values, a variant classified as benign is not then subjected to further curation. The score for this variant resulted in a classification of benign for this disease.